The following is an entry in ClinVar:

ClinVar aggregate classification (germline): Uncertain significance. Review status: criteria provided, multiple submitters, no conflicts (2 of 4 stars). 2 submissions from 2 submitters: Uncertain significance (2). Last evaluated 2025-05-26.

Conditions:
Blau syndrome (BLAUS). Also called: ARTHROCUTANEOUVEAL GRANULOMATOSIS; GRANULOMATOSIS, FAMILIAL JUVENILE SYSTEMIC; GRANULOMATOSIS, FAMILIAL, BLAU TYPE; GRANULOMATOUS INFLAMMATORY ARTHRITIS, DERMATITIS, AND UVEITIS, FAMILIAL; JABS SYNDROME. Identifiers: Orphanet 90340, MedGen C5201146, MONDO:0008523, OMIM 186580.
Regional enteritis. Also called: Enteritis, Granulomatous. Identifiers: MedGen C0678202, MeSH D003424.
NOD2-related disorder. Also called: NOD2-related condition.

gnomAD v4.1: 5 of 1,613,868 alleles (0.00031%); highest among the groups gnomAD compares: Admixed American, 0.0083%; no homozygotes.

Submissions (2):

PreventionGenetics, part of Exact Sciences
Classification: Uncertain significance for NOD2-related condition. Last evaluated: 2025-05-26. Review status: criteria provided, single submitter. Criteria: ACMG Guidelines, 2015. Collection method: clinical testing. Allele origin: germline.
Comment: The NOD2 c.2714+1G>A variant is predicted to disrupt the GT donor site and interfere with normal splicing. To our knowledge, this variant has not been reported in the literature. This variant is reported in 0.0058% of alleles in individuals of Latino descent in gnomAD. At this time, protein-truncating variants are not an established mechanism of disease; therefore, the clinical significance of this variant is uncertain due to the absence of conclusive functional and genetic evidence.

Labcorp Genetics (formerly Invitae), Labcorp
Classification: Uncertain significance for Regional enteritis; Blau syndrome. Last evaluated: 2024-03-02. Review status: criteria provided, single submitter. Criteria: Invitae Variant Classification Sherloc (09022015). Collection method: clinical testing. Allele origin: germline.
Comment: This sequence change affects a donor splice site in intron 7 of the NOD2 gene. It is expected to disrupt RNA splicing. Variants that disrupt the donor or acceptor splice site typically lead to a loss of protein function (PMID: 16199547), however the current clinical and genetic evidence is not sufficient to establish whether loss-of-function variants in NOD2 cause disease. This variant is present in population databases (rs751482121, gnomAD 0.006%). This variant has not been reported in the literature in individuals affected with NOD2-related conditions. Algorithms developed to predict the effect of sequence changes on RNA splicing suggest that this variant may disrupt the consensus splice site. In summary, the available evidence is currently insufficient to determine the role of this variant in disease. Therefore, it has been classified as a Variant of Uncertain Significance.

Literature cited by the submitters: PubMed 16199547 (cited by Labcorp Genetics (formerly Invitae), Labcorp).

NM_001370466.1(NOD2):c.2633+1G>A

Gene: NOD2 (nucleotide binding oligomerization domain containing 2; plus strand). Cytogenetic location: 16q12.1.
Variant type: single nucleotide variant.
Coding change: c.2633+1G>A on transcript NM_001370466.1 (MANE Select); the canonical splice donor site of the intron after coding-DNA position 2633, G replaced by A.
Molecular consequence: splice donor variant.
Genome position (GRCh38, 1-based): chr16:50,720,009, G>A. VCF-style: chr16-50720009-G-A. GRCh37 (hg19) VCF-style: chr16-50753920-G-A.
Other names: c.2714+1G>A (NM_022162.3); c.2633+1G>A (NM_001293557.2).
Identifiers: ClinVar variation 3755996 (VCV003755996.3), dbSNP rs751482121.